The following is an entry in ClinVar:

ClinVar aggregate classification (germline): Benign (0 of 4 stars; one submission).

Conditions:
NFXL1-related disorder. Also called: NFXL1-related condition.

Allele frequency attached by ClinVar (database versions not stated): ESP Exome Variant Server 0.00008; TOPMed 0.00008; gnomAD 0.00073; gnomAD exomes 0.00103; ExAC 0.00270; 1000 Genomes Project 30x 0.00515; 1000 Genomes Project 0.00559.
gnomAD v4.1: 1,571 of 1,564,756 alleles (0.1%); highest among the groups gnomAD compares: South Asian, 1.8%; 29 homozygotes.

Submission:

PreventionGenetics, part of Exact Sciences
Classification: Benign for NFXL1-related condition. Last evaluated: 2019-02-21. Review status: no assertion criteria provided. Collection method: clinical testing. Allele origin: germline.
Comment: This variant is classified as benign based on ACMG/AMP sequence variant interpretation guidelines (Richards et al. 2015 PMID: 25741868, with internal and published modifications).

NM_001278624.2(NFXL1):c.2258C>G (p.Thr753Arg)

Genes: NFXL1 (nuclear transcription factor, X-box binding like 1; minus strand), LOC101927179 (uncharacterized LOC101927179; plus strand). Cytogenetic location: 4p12.
Variant type: single nucleotide variant.
Coding change: c.2258C>G on transcript NM_001278624.2 (MANE Select); coding-DNA position 2258, C replaced by G.
Protein change: p.Thr753Arg; replaces threonine 753 with arginine.
Molecular consequence: missense variant. On other transcripts: non-coding transcript variant (1).
Genome position (GRCh38, 1-based): chr4:47,862,904, G>C on the plus strand (C>G on the coding strand, the complement: NFXL1 is on the minus strand). VCF-style: chr4-47862904-G-C. GRCh37 (hg19) VCF-style: chr4-47864921-G-C.
Other names: c.2258C>G, p.Thr753Arg (NM_001278623.1, NM_152995.6); short protein forms T753R.
Identifiers: ClinVar variation 3037752 (VCV003037752.2), dbSNP rs370816326, ClinGen allele CA2910331.
Genomic context (GRCh38, chr4:47,862,904, plus strand): 5'-ACCTCTTTAGGGCACTGATTTTTGCAACAACTGAGGAGGTTCTTTTCATTTACATCAGCT[G>C]TGGTTATTTTTCTAAAAATAAGAAAGTTGATGACATTCAAACAAAAATCCATTTTATAGC-3'
Protein context (NP_001265553.1, residues 743-763): SLYVECRKIT[Thr753Arg]ADVNEKNLLS